The following is an entry in ClinVar:

NM_000069.3(CACNA1S):c.1840del (p.Glu614fs)

Gene: CACNA1S (calcium voltage-gated channel subunit alpha1 S; minus strand). Cytogenetic location: 1q32.1.
Variant type: Deletion.
Coding change: c.1840del on transcript NM_000069.3 (MANE Select); coding-DNA position 1840, one base deleted (G; older notation c.1840delG).
Protein change: p.Glu614fs; shifts the reading frame from glutamic acid 614.
Molecular consequence: frameshift variant.
Genome position (GRCh38, 1-based): chr1:201,075,603, C deleted on the plus strand (G on the coding strand, the reverse complement: CACNA1S is on the minus strand); the first of 4 consecutive C bases (chr1:201,075,603-201,075,606); deleting any one gives the same sequence. VCF-style (leftmost placement, unchanged base first): chr1-201075602-TC-T. GRCh37 (hg19) VCF-style: chr1-201044730-TC-T.
Other names: short protein forms E614fs.
Identifiers: ClinVar variation 2939512 (VCV002939512.3), dbSNP rs2464559610, ClinGen allele CA2740090458.

ClinVar aggregate classification (germline): Pathogenic (1 of 4 stars; one submission).

Conditions:
Malignant hyperthermia, susceptibility to, 5 (MHS5). Also called: CACNA1S-Related Malignant Hyperthermia Susceptibility. Identifiers: Orphanet 423, MedGen C1866077, MONDO:0011163, OMIM 601887.
Hypokalemic periodic paralysis, type 1. Also called: HypoPP; Hypokalemic Periodic Paralysis Type 1 (AD). Identifiers: Orphanet 681, MedGen C3714580, MONDO:0042979, OMIM 170400.

Submission:

Labcorp Genetics (formerly Invitae), Labcorp
Classification: Pathogenic for Hypokalemic periodic paralysis, type 1; Malignant hyperthermia, susceptibility to, 5. Last evaluated: 2023-05-12. Review status: criteria provided, single submitter. Criteria: Invitae Variant Classification Sherloc (09022015). Collection method: clinical testing. Allele origin: germline.
Comment: This sequence change creates a premature translational stop signal (p.Glu614Lysfs*6) in the CACNA1S gene. It is expected to result in an absent or disrupted protein product. Loss-of-function variants in CACNA1S are known to be pathogenic (PMID: 26247046, 28012042). This variant is not present in population databases (gnomAD no frequency). This variant has not been reported in the literature in individuals affected with CACNA1S-related conditions. For these reasons, this variant has been classified as Pathogenic.

Literature cited by the submitters: PubMed 26247046; PubMed 28012042.